The following is an entry in ClinVar:

NM_002439.5(MSH3):c.805G>A (p.Glu269Lys)

Gene: MSH3 (mutS homolog 3; plus strand). Cytogenetic location: 5q14.1.
Variant type: single nucleotide variant.
Coding change: c.805G>A on transcript NM_002439.5 (MANE Select); coding-DNA position 805, G replaced by A.
Protein change: p.Glu269Lys; replaces glutamic acid 269 with lysine.
Molecular consequence: missense variant.
Genome position (GRCh38, 1-based): chr5:80,672,256, G>A. VCF-style: chr5-80672256-G-A. GRCh37 (hg19) VCF-style: chr5-79968075-G-A.
Other names: c.805G>A (NM_002439.3); short protein forms E269K.
Identifiers: ClinVar variation 1488332 (VCV001488332.9), dbSNP rs1402690460, ClinGen allele CA360267070.

ClinVar aggregate classification (germline): Uncertain significance. Review status: criteria provided, multiple submitters, no conflicts (2 of 4 stars). 2 submissions from 2 submitters: Uncertain significance (2). Last evaluated 2024-04-24.

Conditions:
Hereditary cancer-predisposing syndrome. Also called: Hereditary neoplastic syndrome; Neoplastic Syndromes, Hereditary; Hereditary Cancer Syndrome; Tumor predisposition. Identifiers: Orphanet 140162, MedGen C0027672, MeSH D009386, MONDO:0015356.

Allele frequency attached by ClinVar (database versions not stated): gnomAD exomes below 0.00001.
gnomAD v4.1: 2 of 1,612,160 alleles (0.00012%); highest among the groups gnomAD compares: South Asian, 0.0011%; no homozygotes.

Submissions (2):

Ambry Genetics
Classification: Uncertain significance for Hereditary cancer-predisposing syndrome. Last evaluated: 2024-04-24. Review status: criteria provided, single submitter. Criteria: Ambry Variant Classification Scheme 2023. Collection method: clinical testing. Allele origin: germline.
Comment: The p.E269K variant (also known as c.805G>A), located in coding exon 5 of the MSH3 gene, results from a G to A substitution at nucleotide position 805. The glutamic acid at codon 269 is replaced by lysine, an amino acid with similar properties. This amino acid position is conserved. In addition, this alteration is predicted to be deleterious by in silico analysis. Based on the available evidence, the clinical significance of this variant remains unclear.

Labcorp Genetics (formerly Invitae), Labcorp
Classification: Uncertain significance. Last evaluated: 2020-11-24. Review status: criteria provided, single submitter. Criteria: Invitae Variant Classification Sherloc (09022015). Collection method: clinical testing. Allele origin: germline.
Comment: In summary, the available evidence is currently insufficient to determine the role of this variant in disease. Therefore, it has been classified as a Variant of Uncertain Significance. Algorithms developed to predict the effect of missense changes on protein structure and function are either unavailable or do not agree on the potential impact of this missense change (SIFT: "Tolerated"; PolyPhen-2: "Probably Damaging"; Align-GVGD: "Class C0"). This variant has not been reported in the literature in individuals with MSH3-related conditions. This variant is not present in population databases (ExAC no frequency). This sequence change replaces glutamic acid with lysine at codon 269 of the MSH3 protein (p.Glu269Lys). The glutamic acid residue is highly conserved and there is a small physicochemical difference between glutamic acid and lysine.